The following is an entry in ClinVar:

ClinVar aggregate classification (germline): Pathogenic (1 of 4 stars; one submission).

Submission:

Labcorp Genetics (formerly Invitae), Labcorp
Classification: Pathogenic. Last evaluated: 2023-08-29. Review status: criteria provided, single submitter. Criteria: Invitae Variant Classification Sherloc (09022015). Collection method: clinical testing. Allele origin: germline.
Comment: For these reasons, this variant has been classified as Pathogenic. Algorithms developed to predict the effect of sequence changes on RNA splicing suggest that this variant may disrupt the consensus splice site. Disruption of this splice site has been observed in individual(s) with autosomal recessive retinitis pigmentosa (PMID: 8595886). In at least one individual the data is consistent with being in trans (on the opposite chromosome) from a pathogenic variant. This variant is not present in population databases (gnomAD no frequency). This sequence change affects an acceptor splice site in intron 2 of the PDE6B gene. It is expected to disrupt RNA splicing. Variants that disrupt the donor or acceptor splice site typically lead to a loss of protein function (PMID: 16199547), and loss-of-function variants in PDE6B are known to be pathogenic (PMID: 8394174, 8595886, 22334370).

Literature cited by the submitters: PubMed 8595886; PubMed 16199547; PubMed 8394174; PubMed 22334370.

NM_000283.4(PDE6B):c.622-1G>T

Gene: PDE6B (phosphodiesterase 6B; plus strand). Cytogenetic location: 4p16.3.
Variant type: single nucleotide variant.
Coding change: c.622-1G>T on transcript NM_000283.4 (MANE Select); the canonical splice acceptor site of the intron before coding-DNA position 622, G replaced by T.
Molecular consequence: splice acceptor variant.
Genome position (GRCh38, 1-based): chr4:635,879, G>T. VCF-style: chr4-635879-G-T. GRCh37 (hg19) VCF-style: chr4-629668-G-T.
Other names: c.622-1G>T (NM_001145291.2).
Identifiers: ClinVar variation 2734627 (VCV002734627.3), dbSNP rs2474110153, ClinGen allele CA355908697.